The following is an entry in ClinVar:

ClinVar aggregate classification (germline): Uncertain significance (1 of 4 stars; one submission).

Conditions:
Inborn genetic diseases. Identifiers: MedGen C0950123, MeSH D030342.

gnomAD v4.1: 1 of 1,614,088 alleles (0.000062%); highest among the groups gnomAD compares: Non-Finnish European, 0.000085%; no homozygotes.

Submission:

Ambry Genetics
Classification: Uncertain significance for Inborn genetic diseases. Last evaluated: 2026-03-19. Review status: criteria provided, single submitter. Criteria: Ambry Variant Classification Scheme 2023. Collection method: clinical testing. Allele origin: germline.
Comment: The c.797C>A (p.T266N) alteration is located in exon 5 (coding exon 5) of the DHTKD1 gene. This alteration results from a C to A substitution at nucleotide position 797, causing the threonine (T) at amino acid position 266 to be replaced by an asparagine (N). Based on data from gnomAD, the A allele has an overall frequency of <0.001% (1/251476) total alleles studied. The highest observed frequency was 0.001% (1/113758) of European (non-Finnish) alleles. Based on insufficient or conflicting evidence, the clinical significance of this alteration remains unclear.

NM_018706.7(DHTKD1):c.797C>A (p.Thr266Asn)

Gene: DHTKD1 (dehydrogenase E1 and transketolase domain containing 1; plus strand). Cytogenetic location: 10p14.
Variant type: single nucleotide variant.
Coding change: c.797C>A on transcript NM_018706.7 (MANE Select); coding-DNA position 797, C replaced by A.
Protein change: p.Thr266Asn; replaces threonine 266 with asparagine.
Molecular consequence: missense variant.
Genome position (GRCh38, 1-based): chr10:12,089,065, C>A. VCF-style: chr10-12089065-C-A. GRCh37 (hg19) VCF-style: chr10-12131064-C-A.
Other names: short protein forms T266N.
Identifiers: ClinVar variation 4869730 (VCV004869730.1).